The following is an entry in ClinVar:

NM_019032.6(ADAMTSL4):c.1950G>C (p.Gln650His)

Genes: ADAMTSL4 (ADAMTS like 4; plus strand), ADAMTSL4-AS2 (ADAMTSL4 antisense RNA 2; minus strand). Cytogenetic location: 1q21.2.
Variant type: single nucleotide variant.
Coding change: c.1950G>C on transcript NM_019032.6 (MANE Select); coding-DNA position 1950, G replaced by C.
Protein change: p.Gln650His; replaces glutamine 650 with histidine.
Molecular consequence: missense variant. On other transcripts: intron variant (1).
Genome position (GRCh38, 1-based): chr1:150,557,238, G>C. VCF-style: chr1-150557238-G-C. GRCh37 (hg19) VCF-style: chr1-150529714-G-C.
Other names: c.2019G>C, p.Gln673His (NM_001288608.2); c.1950G>C, p.Gln650His (NM_001378596.1, NM_025008.5); c.1857-24G>C (NM_001288607.2); short protein forms Q650H, Q673H.
Identifiers: ClinVar variation 2421337 (VCV002421337.4), dbSNP rs1570951013, ClinGen allele CA342313644.

ClinVar aggregate classification (germline): Uncertain significance (1 of 4 stars; one submission).

gnomAD v4.1: 3 of 1,605,676 alleles (0.00019%); highest among the groups gnomAD compares: African/African-American, 0.0013%; no homozygotes.

Submission:

Labcorp Genetics (formerly Invitae), Labcorp
Classification: Uncertain significance. Last evaluated: 2022-03-05. Review status: criteria provided, single submitter. Criteria: Invitae Variant Classification Sherloc (09022015). Collection method: clinical testing. Allele origin: germline.
Comment: This sequence change replaces glutamine, which is neutral and polar, with histidine, which is basic and polar, at codon 650 of the ADAMTSL4 protein (p.Gln650His). This variant is not present in population databases (gnomAD no frequency). This variant has not been reported in the literature in individuals affected with ADAMTSL4-related conditions. Algorithms developed to predict the effect of missense changes on protein structure and function are either unavailable or do not agree on the potential impact of this missense change (SIFT: "Deleterious"; PolyPhen-2: "Possibly Damaging"; Align-GVGD: "Class C0"). Algorithms developed to predict the effect of sequence changes on RNA splicing suggest that this variant may create or strengthen a splice site. In summary, the available evidence is currently insufficient to determine the role of this variant in disease. Therefore, it has been classified as a Variant of Uncertain Significance.